The following is an entry in ClinVar:

NC_012920.1(MT-ND5):m.13974A>T

Gene: MT-ND5 (mitochondrially encoded NADH dehydrogenase 5; plus strand).
Variant type: single nucleotide variant.
Genome position: chrM-13974-A-T.
Identifiers: ClinVar variation 693646 (VCV000693646.1), dbSNP rs1603224443, ClinGen allele CA414820338.

ClinVar aggregate classification (germline): Uncertain significance (1 of 4 stars; one submission).

Conditions:
Leigh syndrome (NULS). Also called: Leigh's necrotizing encephalopathy; Leigh's disease; Leigh's syndrome; LEIGH SYNDROME, NUCLEAR; Leigh Syndrome (mtDNA deletion); Leigh Disease. Identifiers: Orphanet 506, MedGen C2931891, MONDO:0009723, OMIM 256000.

Submission:

Wong Mito Lab, Molecular and Human Genetics, Baylor College of Medicine
Classification: Uncertain significance for Leigh syndrome. Last evaluated: 2019-10-17. Review status: criteria provided, single submitter. Criteria: Modified ACMG Guidelines (Unpublished). Collection method: clinical testing. Allele origin: germline.
Comment: The NC_012920.1:m.13974A>T (YP_003024036.1:p.Gln546His) variant in MTND5 gene is interpretated to be a Uncertain Significance variant based on the modified ACMG guidelines (unpublished). This variant meets the following evidence codes: BS4